The following is an entry in ClinVar:

NM_001368894.2(PAX6):c.370G>A (p.Gly124Arg)

Gene: PAX6 (paired box 6; minus strand). Cytogenetic location: 11p13.
Variant type: single nucleotide variant.
Coding change: c.370G>A on transcript NM_001368894.2 (MANE Select); coding-DNA position 370, G replaced by A.
Protein change: p.Gly124Arg; replaces glycine 124 with arginine.
Molecular consequence: missense variant. On other transcripts: 5 prime UTR variant (14), non-coding transcript variant (2), intron variant (8).
Genome position (GRCh38, 1-based): chr11:31,801,590, C>T on the plus strand (G>A on the coding strand, the complement: PAX6 is on the minus strand). VCF-style: chr11-31801590-C-T. GRCh37 (hg19) VCF-style: chr11-31823138-C-T.
Other names: c.328G>A, p.Gly110Arg (NM_000280.6, NM_001127612.3, NM_001258464.2 and 10 more transcripts); c.370G>A, p.Gly124Arg (NM_001258462.3, NM_001258463.2, NM_001310158.2 and 6 more transcripts); c.-412G>A (NM_001310160.2, NM_001368902.2, NM_001368905.2); c.-81G>A (NM_001310161.3, NM_001368899.2, NM_001368900.2 and 8 more transcripts); c.571G>A, p.Gly191Arg (NM_001368910.2); c.373G>A, p.Gly125Arg (NM_001368911.2); c.445G>A, p.Gly149Arg (NM_001368918.2, NM_001368919.2); c.403G>A, p.Gly135Arg (NM_001368920.2); and 2 more; short protein forms G124R, G125R, G149R, G191R, G110R, G135R.
Identifiers: ClinVar variation 2100189 (VCV002100189.4), dbSNP rs1953887767, ClinGen allele CA379958495.

ClinVar aggregate classification (germline): Uncertain significance (1 of 4 stars; one submission).

Conditions:
Aniridia 1 (AN1). Identifiers: Orphanet 250923, MedGen C0344542, MONDO:0024507, OMIM 106210.
Irido-corneo-trabecular dysgenesis (ASGD5). Also called: ANTERIOR SEGMENT DYSGENESIS 5. Identifiers: Orphanet 708, MedGen C0344559, MONDO:0011414, OMIM 604229, HP:0000659.

Allele frequency attached by ClinVar (database versions not stated): gnomAD exomes below 0.00001; TOPMed below 0.00001.
gnomAD v4.1: 2 of 1,614,078 alleles (0.00012%); highest among the groups gnomAD compares: South Asian, 0.0011%; no homozygotes.

Submission:

Labcorp Genetics (formerly Invitae), Labcorp
Classification: Uncertain significance for Aniridia 1; Irido-corneo-trabecular dysgenesis. Last evaluated: 2022-06-15. Review status: criteria provided, single submitter. Criteria: Invitae Variant Classification Sherloc (09022015). Collection method: clinical testing. Allele origin: germline.
Comment: In summary, the available evidence is currently insufficient to determine the role of this variant in disease. Therefore, it has been classified as a Variant of Uncertain Significance. Algorithms developed to predict the effect of missense changes on protein structure and function are either unavailable or do not agree on the potential impact of this missense change (SIFT: "Deleterious"; PolyPhen-2: "Possibly Damaging"; Align-GVGD: "Class C15"). This variant has not been reported in the literature in individuals affected with PAX6-related conditions. This variant is not present in population databases (gnomAD no frequency). This sequence change replaces glycine, which is neutral and non-polar, with arginine, which is basic and polar, at codon 110 of the PAX6 protein (p.Gly110Arg).